The following is an entry in ClinVar:

NM_005739.4(RASGRP1):c.1766T>C (p.Phe589Ser)

Gene: RASGRP1 (RAS guanyl releasing protein 1; minus strand). Cytogenetic location: 15q14.
Variant type: single nucleotide variant.
Coding change: c.1766T>C on transcript NM_005739.4 (MANE Select); coding-DNA position 1766, T replaced by C.
Protein change: p.Phe589Ser; replaces phenylalanine 589 with serine.
Molecular consequence: missense variant.
Genome position (GRCh38, 1-based): chr15:38,498,901, A>G on the plus strand (T>C on the coding strand, the complement: RASGRP1 is on the minus strand). VCF-style: chr15-38498901-A-G. GRCh37 (hg19) VCF-style: chr15-38791102-A-G.
Other names: c.1661T>C, p.Phe554Ser (NM_001128602.2, NM_001306086.2); short protein forms F554S, F589S.
Identifiers: ClinVar variation 2981940 (VCV002981940.3), dbSNP rs1450235680, ClinGen allele CA391662849.
Genomic context (GRCh38, chr15:38,498,901, plus strand): 5'-CCCACAGAAGTGTTGTTCTCTGTGGGAGCTACTGGGTTCTTGGCTCGCTTCTTACACTCA[A>G]ACACAACCAGATCTTTGCATTGTTTGTGACAGTTCATCCCGCAGTCTGTGGACAAGACAT-3'
Protein context (NP_005730.2, residues 579-599): CHKQCKDLVV[Phe589Ser]ECKKRAKNPV

ClinVar aggregate classification (germline): Uncertain significance (1 of 4 stars; one submission).

Allele frequency attached by ClinVar (database versions not stated): gnomAD exomes below 0.00001.
gnomAD v4.1: 3 of 1,613,782 alleles (0.00019%); highest among the groups gnomAD compares: Admixed American, 0.0017%; no homozygotes.

Submission:

Labcorp Genetics (formerly Invitae), Labcorp
Classification: Uncertain significance. Last evaluated: 2023-05-24. Review status: criteria provided, single submitter. Criteria: Invitae Variant Classification Sherloc (09022015). Collection method: clinical testing. Allele origin: germline.
Comment: In summary, the available evidence is currently insufficient to determine the role of this variant in disease. Therefore, it has been classified as a Variant of Uncertain Significance. This sequence change replaces phenylalanine, which is neutral and non-polar, with serine, which is neutral and polar, at codon 589 of the RASGRP1 protein (p.Phe589Ser). This variant is present in population databases (no rsID available, gnomAD 0.003%). This variant has not been reported in the literature in individuals affected with RASGRP1-related conditions. Advanced modeling of protein sequence and biophysical properties (such as structural, functional, and spatial information, amino acid conservation, physicochemical variation, residue mobility, and thermodynamic stability) performed at Invitae indicates that this missense variant is not expected to disrupt RASGRP1 protein function.